The following is an entry in ClinVar:

ClinVar aggregate classification (germline): Uncertain significance (1 of 4 stars; one submission).

Conditions:
Neuronal ceroid lipofuscinosis. Also called: Neuronal Ceroid Lipofuscinoses. Identifiers: Orphanet 216, Orphanet 79263, MedGen C0027877, MONDO:0016295. Disease mechanism: loss of function.

Allele frequency attached by ClinVar (database versions not stated): ExAC 0.00003; gnomAD exomes below 0.00001; TOPMed 0.00001.
gnomAD v4.1: 5 of 1,580,024 alleles (0.00032%); highest among the groups gnomAD compares: South Asian, 0.0012%; no homozygotes.

Submission:

Labcorp Genetics (formerly Invitae), Labcorp
Classification: Uncertain significance for Neuronal ceroid lipofuscinosis. Last evaluated: 2020-10-29. Review status: criteria provided, single submitter. Criteria: Invitae Variant Classification Sherloc (09022015). Collection method: clinical testing. Allele origin: germline.
Comment: This variant has not been reported in the literature in individuals with DNAJC5-related disease. This variant is present in population databases (rs766374425, ExAC 0.006%). This sequence change replaces alanine with threonine at codon 178 of the DNAJC5 protein (p.Ala178Thr). The alanine residue is moderately conserved and there is a small physicochemical difference between alanine and threonine. In summary, the available evidence is currently insufficient to determine the role of this variant in disease. Therefore, it has been classified as a Variant of Uncertain Significance. Algorithms developed to predict the effect of missense changes on protein structure and function (SIFT, PolyPhen-2, Align-GVGD) all suggest that this variant is likely to be tolerated, but these predictions have not been confirmed by published functional studies and their clinical significance is uncertain.

NM_025219.3(DNAJC5):c.532G>A (p.Ala178Thr)

Gene: DNAJC5 (DnaJ heat shock protein family (Hsp40) member C5; plus strand). Cytogenetic location: 20q13.33.
Variant type: single nucleotide variant.
Coding change: c.532G>A on transcript NM_025219.3 (MANE Select); coding-DNA position 532, G replaced by A.
Protein change: p.Ala178Thr; replaces alanine 178 with threonine.
Molecular consequence: missense variant.
Genome position (GRCh38, 1-based): chr20:63,931,503, G>A. VCF-style: chr20-63931503-G-A. GRCh37 (hg19) VCF-style: chr20-62562856-G-A.
Other names: short protein forms A178T.
Identifiers: ClinVar variation 582110 (VCV000582110.9), dbSNP rs766374425, ClinGen allele CA9969806.
Genomic context (GRCh38, chr20:63,931,503, plus strand): 5'-GCCCTGTGTGCTTGCTTTTCAGAGGCCACAGACACGCCGATCGTCATACAGCCGGCATCC[G>A]CCACCGAGACCACCCAGCTCACAGCCGACTCCCACCCCAGCTACCACACTGACGGGTTCA-3'
Protein context (NP_079495.1, residues 168-188): DTPIVIQPAS[Ala178Thr]TETTQLTADS